The following is an entry in ClinVar:

NM_001447.3(FAT2):c.5127T>C (p.Ser1709=)

Genes: FAT2 (FAT atypical cadherin 2; minus strand), SLC36A1 (solute carrier family 36 member 1; plus strand). Cytogenetic location: 5q33.1.
Variant type: single nucleotide variant.
Coding change: c.5127T>C on transcript NM_001447.3 (MANE Select); coding-DNA position 5127, T replaced by C.
Protein change: p.Ser1709=; no amino-acid change (serine 1709 retained).
Molecular consequence: synonymous variant.
Genome position (GRCh38, 1-based): chr5:151,546,000, A>G on the plus strand (T>C on the coding strand, the complement: FAT2 is on the minus strand). VCF-style: chr5-151546000-A-G. GRCh37 (hg19) VCF-style: chr5-150925561-A-G.
Identifiers: ClinVar variation 1879640 (VCV001879640.29), dbSNP rs767696583, ClinGen allele CA3521370.
Genomic context (GRCh38, chr5:151,546,000, plus strand): 5'-TTTCAGCTGGTAAGACGAGATTTTCTCATGGTCCAATTTCTTCTGGGTGGAAATAAGGCC[A>G]GAATATGAGTTCATAGAGAAGACTCCATCCTTATTTCCCTCTCTTAACTCATAGGTAACT-3'
Protein context (NP_001438.1, residues 1699-1719): KDGVFSMNSY[Ser1709=]GLISTQKKLD

ClinVar aggregate classification (germline): Likely benign (1 of 4 stars; one submission).

Allele frequency attached by ClinVar (database versions not stated): ExAC 0.00001.
gnomAD v4.1: 1 of 1,614,218 alleles (0.000062%); no homozygotes.

Submission:

CeGaT Center for Human Genetics Tuebingen
Classification: Likely benign. Last evaluated: 2022-12-01. Review status: criteria provided, single submitter. Criteria: CeGaT Center For Human Genetics Tuebingen Variant Classification Criteria Version 2. Collection method: clinical testing. Allele origin: germline. Affected: yes. Observed: 1 variant allele.
Comment: FAT2: BP4, BP7